The following is an entry in ClinVar:

NM_024537.4(CARS2):c.1508C>T (p.Ala503Val)

Gene: CARS2 (cysteinyl-tRNA synthetase 2, mitochondrial; minus strand). Cytogenetic location: 13q34.
Variant type: single nucleotide variant.
Coding change: c.1508C>T on transcript NM_024537.4 (MANE Select); coding-DNA position 1508, C replaced by T.
Protein change: p.Ala503Val; replaces alanine 503 with valine.
Molecular consequence: missense variant. On other transcripts: non-coding transcript variant (2).
Genome position (GRCh38, 1-based): chr13:110,642,430, G>A on the plus strand (C>T on the coding strand, the complement: CARS2 is on the minus strand). VCF-style: chr13-110642430-G-A. GRCh37 (hg19) VCF-style: chr13-111294777-G-A.
Other names: c.1508C>T (NM_024537.2, NM_024537.3); c.722C>T, p.Ala241Val (NM_001352252.2); short protein forms A241V, A503V.
Identifiers: ClinVar variation 2085235 (VCV002085235.3), dbSNP rs752148416, ClinGen allele CA7051625.

ClinVar aggregate classification (germline): Uncertain significance. Review status: criteria provided, multiple submitters, no conflicts (2 of 4 stars). 3 submissions from 3 submitters: Uncertain significance (3). Last evaluated 2026-05-22.

Conditions:
CARS2-related disorder. Also called: CARS2-related condition.
Inborn genetic diseases. Identifiers: MedGen C0950123, MeSH D030342.
Combined oxidative phosphorylation defect type 27. Also called: Combined oxidative phosphorylation deficiency 27. Identifiers: Orphanet 477774, MedGen C5567608, MONDO:0014728, OMIM 616672.

Allele frequency attached by ClinVar (database versions not stated): gnomAD 0.00001; TOPMed 0.00001.

Submissions (3):

PreventionGenetics, part of Exact Sciences
Classification: Uncertain significance for CARS2-related condition. Last evaluated: 2026-05-22. Review status: criteria provided, single submitter. Criteria: ACMG Guidelines, 2015. Collection method: clinical testing. Allele origin: germline.
Comment: The CARS2 c.1508C>T variant is predicted to result in the amino acid substitution p.Ala503Val. To our knowledge, this variant has not been reported in the literature. This variant is reported in 0.068% of alleles in individuals of East Asian descent in gnomAD. At this time, the clinical significance of this variant is uncertain due to the absence of conclusive functional and genetic evidence.

Ambry Genetics
Classification: Uncertain significance for Inborn genetic diseases. Last evaluated: 2024-03-04. Review status: criteria provided, single submitter. Criteria: Ambry Variant Classification Scheme 2023. Collection method: clinical testing. Allele origin: germline.

Labcorp Genetics (formerly Invitae), Labcorp
Classification: Uncertain significance for Combined oxidative phosphorylation defect type 27. Last evaluated: 2022-08-05. Review status: criteria provided, single submitter. Criteria: Invitae Variant Classification Sherloc (09022015). Collection method: clinical testing. Allele origin: germline.
Comment: This sequence change replaces alanine, which is neutral and non-polar, with valine, which is neutral and non-polar, at codon 503 of the CARS2 protein (p.Ala503Val). The frequency data for this variant in the population databases is considered unreliable, as metrics indicate poor data quality at this position in the gnomAD database. This variant has not been reported in the literature in individuals affected with CARS2-related conditions. Algorithms developed to predict the effect of missense changes on protein structure and function (SIFT, PolyPhen-2, Align-GVGD) all suggest that this variant is likely to be tolerated. In summary, the available evidence is currently insufficient to determine the role of this variant in disease. Therefore, it has been classified as a Variant of Uncertain Significance.